The following is an entry in ClinVar:

NM_001382567.1(STIM1):c.1866C>G (p.Asp622Glu)

Genes: STIM1 (stromal interaction molecule 1; plus strand), LOC124418421 (Sharpr-MPRA regulatory region 9588; plus strand). Cytogenetic location: 11p15.4.
Variant type: single nucleotide variant.
Coding change: c.1866C>G on transcript NM_001382567.1 (MANE Select); coding-DNA position 1866, C replaced by G.
Protein change: p.Asp622Glu; replaces aspartic acid 622 with glutamic acid.
Molecular consequence: missense variant. On other transcripts: 3 prime UTR variant (4), non-coding transcript variant (3).
Genome position (GRCh38, 1-based): chr11:4,091,513, C>G. VCF-style: chr11-4091513-C-G. GRCh37 (hg19) VCF-style: chr11-4112743-C-G.
Other names: c.2091C>G, p.Asp697Glu (NM_001277961.3); c.*187C>G (NM_001277962.2, NM_001382578.1, NM_001382579.1 and 1 more transcripts); c.1869C>G, p.Asp623Glu (NM_001382566.1); c.1794C>G, p.Asp598Glu (NM_001382568.1); c.1638C>G, p.Asp546Glu (NM_001382569.1); c.1545C>G, p.Asp515Glu (NM_001382570.1); c.1293C>G, p.Asp431Glu (NM_001382571.1); c.1551C>G, p.Asp517Glu (NM_001382575.1, NM_001382576.1, NM_001382577.1); and 2 more; short protein forms D428E, D431E, D515E, D517E, D546E, D591E, D598E, D622E.
Identifiers: ClinVar variation 1015522 (VCV001015522.9), dbSNP rs776241052, ClinGen allele CA5830624.

ClinVar aggregate classification (germline): Uncertain significance (1 of 4 stars; one submission).

Conditions:
Stormorken syndrome (STRMK). Also called: THROMBOCYTOPATHY, ASPLENIA, AND MIOSIS. Identifiers: Orphanet 3204, MedGen C1861451, MONDO:0008497, OMIM 185070.
Combined immunodeficiency due to STIM1 deficiency. Also called: IMMUNODEFICIENCY 10; STIM1 DEFICIENCY. Identifiers: Orphanet 169090, Orphanet 317430, MedGen C2748557, MONDO:0013008, OMIM 612783.
Myopathy with tubular aggregates (TAM). Also called: Tubular Aggregate Myopathy. Identifiers: Orphanet 2593, MedGen C0410207, MONDO:0008051.

Allele frequency attached by ClinVar (database versions not stated): gnomAD exomes 0.00003 and 0.00004; ExAC 0.00010; TOPMed 0.00001.
gnomAD v4.1: 42 of 1,614,220 alleles (0.0026%); highest among the groups gnomAD compares: Non-Finnish European, 0.0036%; no homozygotes.

Submission:

Labcorp Genetics (formerly Invitae), Labcorp
Classification: Uncertain significance for Myopathy with tubular aggregates; Combined immunodeficiency due to STIM1 deficiency; Stormorken syndrome. Last evaluated: 2025-02-10. Review status: criteria provided, single submitter. Criteria: Invitae Variant Classification Sherloc (09022015). Collection method: clinical testing. Allele origin: germline.
Comment: This sequence change replaces aspartic acid, which is acidic and polar, with glutamic acid, which is acidic and polar, at codon 591 of the STIM1 protein (p.Asp591Glu). This variant is present in population databases (rs776241052, gnomAD 0.01%). This variant has not been reported in the literature in individuals affected with STIM1-related conditions. ClinVar contains an entry for this variant (Variation ID: 1015522). Invitae Evidence Modeling of protein sequence and biophysical properties (such as structural, functional, and spatial information, amino acid conservation, physicochemical variation, residue mobility, and thermodynamic stability) indicates that this missense variant is not expected to disrupt STIM1 protein function with a negative predictive value of 95%. In summary, the available evidence is currently insufficient to determine the role of this variant in disease. Therefore, it has been classified as a Variant of Uncertain Significance.